The following is an entry in ClinVar:

ClinVar aggregate classification (germline): Likely benign. Review status: criteria provided, multiple submitters, no conflicts (2 of 4 stars). 3 submissions from 3 submitters: Likely benign (2). 1 of the submissions does not count toward it. Last evaluated 2025-10-22.

Conditions:
Autosomal dominant medullary cystic kidney disease with or without hyperuricemia. Identifiers: Orphanet 34149, MedGen C4511620, MONDO:0008264.
Familial juvenile hyperuricemic nephropathy type 1 (ADTKD1). Also called: Autosomal Dominant Tubulointerstitial Kidney Disease – UMOD; Glomerulocystic kidney disease with hyperuricemia and isosthenuria; Medullary cystic kidney disease 2; UMOD-Associated Kidney Disease; Uromodulin-associated kidney disease. Identifiers: Orphanet 209886, Orphanet 34149, Orphanet 88950, MedGen C4551496, MONDO:0008073, OMIM 162000.
UMOD-related disorder. Also called: UMOD-related condition.

Allele frequency attached by ClinVar (database versions not stated): ExAC 0.00001; TOPMed 0.00001; gnomAD exomes 0.00002 and 0.00010.
gnomAD v4.1: 145 of 1,613,338 alleles (0.009%); highest among the groups gnomAD compares: Non-Finnish European, 0.012%; no homozygotes.

Submissions (3):

PreventionGenetics, part of Exact Sciences
Classification: Likely benign for UMOD-related condition. Last evaluated: 2025-10-22. Review status: criteria provided, single submitter. Criteria: ACMG Guidelines, 2015. Collection method: clinical testing. Allele origin: germline.
Comment: This variant is classified as likely benign based on ACMG/AMP sequence variant interpretation guidelines (Richards et al. 2015 PMID: 25741868, with internal and published modifications).

Fulgent Genetics
Classification: Likely benign for Familial juvenile hyperuricemic nephropathy type 1. Last evaluated: 2024-06-17. Review status: criteria provided, single submitter. Criteria: ACMG Guidelines, 2015. Collection method: clinical testing. Allele origin: germline.

Sydney Genome Diagnostics, Children's Hospital Westmead
Classification: Uncertain significance for Autosomal dominant medullary cystic kidney disease with or without hyperuricemia. Last evaluated: 2018-01-12. Review status: no assertion criteria provided. Collection method: clinical testing. Allele origin: unknown. Affected: yes. Observed: 1 variant allele, 1 heterozygote. Not counted in ClinVar's aggregate classification.
Comment: To our knowledge, this variant has not been previously reported in the literature or any disease specific databases. The c.1901C>T p.(Thr634Ile) variant has been reported in the gnomAD browser with a very low allele frequency of 0.001% (3 out of 244,382 alleles). In silico analysis (Alamut Visual v2.8.1) using SIFT, PolyPhen2 and MutationTaster all predict that this variant is likley to be benign. However, this analysis alone cannot be used to exclude pathogenicity. This variant is considered to be a variant of uncertain clinical significance (VOUS) according to the ACMG guidelines.

NM_003361.4(UMOD):c.1901C>T (p.Thr634Ile)

Gene: UMOD (uromodulin; minus strand). Cytogenetic location: 16p12.3.
Variant type: single nucleotide variant.
Coding change: c.1901C>T on transcript NM_003361.4 (MANE Select); coding-DNA position 1901, C replaced by T.
Protein change: p.Thr634Ile; replaces threonine 634 with isoleucine.
Molecular consequence: missense variant. On other transcripts: non-coding transcript variant (1).
Genome position (GRCh38, 1-based): chr16:20,333,336, G>A on the plus strand (C>T on the coding strand, the complement: UMOD is on the minus strand). VCF-style: chr16-20333336-G-A. GRCh37 (hg19) VCF-style: chr16-20344658-G-A.
Other names: c.1901C>T (NM_003361.3); c.1901C>T, p.Thr634Ile (NM_001008389.3, NM_001378232.1, NM_001378233.1); c.2000C>T, p.Thr667Ile (NM_001278614.2); c.2042C>T, p.Thr681Ile (NM_001378234.1, NM_001378235.1); short protein forms T634I, T667I, T681I.
Identifiers: ClinVar variation 988178 (VCV000988178.4), dbSNP rs751927256, ClinGen allele CA7938979.